The following is an entry in ClinVar:

NM_018489.3(ASH1L):c.5975C>T (p.Ala1992Val)

Gene: ASH1L (ASH1 like histone lysine methyltransferase; minus strand). Cytogenetic location: 1q22.
Variant type: single nucleotide variant.
Coding change: c.5975C>T on transcript NM_018489.3 (MANE Select); coding-DNA position 5975, C replaced by T.
Protein change: p.Ala1992Val; replaces alanine 1992 with valine.
Molecular consequence: missense variant.
Genome position (GRCh38, 1-based): chr1:155,415,777, G>A on the plus strand (C>T on the coding strand, the complement: ASH1L is on the minus strand). VCF-style: chr1-155415777-G-A. GRCh37 (hg19) VCF-style: chr1-155385568-G-A.
Other names: c.5975C>T, p.Ala1992Val (NM_001366177.2); short protein forms A1992V.
Identifiers: ClinVar variation 2639411 (VCV002639411.24), dbSNP rs763810930, ClinGen allele CA1146462.

ClinVar aggregate classification (germline): Uncertain significance (1 of 4 stars; one submission).

Allele frequency attached by ClinVar (database versions not stated): gnomAD exomes below 0.00001; ExAC 0.00001.
gnomAD v4.1: 1 of 1,613,988 alleles (0.000062%); highest among the groups gnomAD compares: Non-Finnish European, 0.000085%; no homozygotes.

Submission:

CeGaT Center for Human Genetics Tuebingen
Classification: Uncertain significance. Last evaluated: 2023-11-01. Review status: criteria provided, single submitter. Criteria: CeGaT Center For Human Genetics Tuebingen Variant Classification Criteria Version 2. Collection method: clinical testing. Allele origin: germline. Affected: yes. Observed: 2 variant alleles.
Comment: ASH1L: PM2:Supporting